The following is an entry in ClinVar:

ClinVar aggregate classification (germline): Pathogenic (1 of 4 stars; one submission).

Conditions:
Long QT syndrome (LQTS). Identifiers: MedGen C0023976, MeSH D008133, MONDO:0002442. Disease mechanism: loss of function. Inheritance: Various modes of inheritance.

Submission:

Labcorp Genetics (formerly Invitae), Labcorp
Classification: Pathogenic for Long QT syndrome. Last evaluated: 2024-12-17. Review status: criteria provided, single submitter. Criteria: Invitae Variant Classification Sherloc (09022015). Collection method: clinical testing. Allele origin: germline.
Comment: This sequence change creates a premature translational stop signal (p.Gly911Alafs*17) in the KCNH2 gene. It is expected to result in an absent or disrupted protein product. Loss-of-function variants in KCNH2 are known to be pathogenic (PMID: 10973849, 19862833). This variant is not present in population databases (gnomAD no frequency). This premature translational stop signal has been observed in individual(s) with long QT syndrome (PMID: 36861347). For these reasons, this variant has been classified as Pathogenic.

Literature cited by the submitters: PubMed 10973849; PubMed 19862833; PubMed 36861347.

NM_000238.4(KCNH2):c.2732_2766del (p.Gly911fs)

Gene: KCNH2 (potassium voltage-gated channel subfamily H member 2; minus strand). Cytogenetic location: 7q36.1.
Variant type: Deletion.
Coding change: c.2732_2766del on transcript NM_000238.4 (MANE Select); coding-DNA positions 2732 to 2766, 35 bases deleted.
Protein change: p.Gly911fs; shifts the reading frame from glycine 911.
Molecular consequence: frameshift variant.
Genome position (GRCh38, 1-based): chr7:150,947,805-150,947,839, 35 bases deleted; deleting any 35 consecutive bases within chr7:150,947,805-150,947,847 gives the same sequence; the c. name uses the placement nearest the transcript's 3' end. GRCh37 (hg19): chr7:150,644,901-150,644,935.
Other names: c.2444_2478del, p.Gly815fs (NM_001406753.1); c.1712_1746del, p.Gly571fs (NM_172057.3); short protein forms G911fs, G815fs, G571fs.
Identifiers: ClinVar variation 3712259 (VCV003712259.2).